The following is an entry in ClinVar:

ClinVar aggregate classification (germline): Uncertain significance (1 of 4 stars; one submission).

Conditions:
Neuronal ceroid lipofuscinosis. Also called: Neuronal Ceroid Lipofuscinoses. Identifiers: Orphanet 216, Orphanet 79263, MedGen C0027877, MONDO:0016295. Disease mechanism: loss of function.

Submission:

Labcorp Genetics (formerly Invitae), Labcorp
Classification: Uncertain significance for Neuronal ceroid lipofuscinosis. Last evaluated: 2022-04-13. Review status: criteria provided, single submitter. Criteria: Invitae Variant Classification Sherloc (09022015). Collection method: clinical testing. Allele origin: germline.
Comment: In summary, the available evidence is currently insufficient to determine the role of this variant in disease. Therefore, it has been classified as a Variant of Uncertain Significance. Algorithms developed to predict the effect of missense changes on protein structure and function (SIFT, PolyPhen-2, Align-GVGD) all suggest that this variant is likely to be tolerated. This variant has not been reported in the literature in individuals affected with CLN5-related conditions. This variant is not present in population databases (gnomAD no frequency). This sequence change replaces glutamine, which is neutral and polar, with arginine, which is basic and polar, at codon 369 of the CLN5 protein (p.Gln369Arg).

NM_006493.4(CLN5):c.959A>G (p.Gln320Arg)

Gene: CLN5 (CLN5 lysosomal BMP synthase; plus strand). Cytogenetic location: 13q22.3.
Variant type: single nucleotide variant.
Coding change: c.959A>G on transcript NM_006493.4 (MANE Select); coding-DNA position 959, A replaced by G.
Protein change: p.Gln320Arg; replaces glutamine 320 with arginine.
Molecular consequence: missense variant. On other transcripts: 3 prime UTR variant (1).
Genome position (GRCh38, 1-based): chr13:77,000,851, A>G. VCF-style: chr13-77000851-A-G. GRCh37 (hg19) VCF-style: chr13-77574986-A-G.
Other names: c.*408A>G (NM_001366624.2); short protein forms Q320R, Q369R.
Identifiers: ClinVar variation 2097637 (VCV002097637.4), dbSNP rs2501157624, ClinGen allele CA388314480.